The following is an entry in ClinVar:

ClinVar aggregate classification (germline): Uncertain significance (1 of 4 stars; one submission).

Conditions:
Cardiovascular phenotype. Identifiers: MedGen CN230736.

Allele frequency attached by ClinVar (database versions not stated): gnomAD exomes 0.00001; TOPMed 0.00001; gnomAD 0.00002.
gnomAD v4.1: 20 of 1,613,436 alleles (0.0012%); highest among the groups gnomAD compares: Non-Finnish European, 0.0016%; no homozygotes.

Submission:

Ambry Genetics
Classification: Uncertain significance for Cardiovascular phenotype. Last evaluated: 2025-06-28. Review status: criteria provided, single submitter. Criteria: Ambry Variant Classification Scheme 2023. Collection method: clinical testing. Allele origin: germline.
Comment: The p.S138P variant (also known as c.412T>C), located in coding exon 4 of the ABCA1 gene, results from a T to C substitution at nucleotide position 412. The serine at codon 138 is replaced by proline, an amino acid with similar properties. This amino acid position is conserved. In addition, this alteration is predicted to be tolerated by in silico analysis. Since supporting evidence is limited at this time, the clinical significance of this alteration remains unclear.

NM_005502.4(ABCA1):c.412T>C (p.Ser138Pro)

Gene: ABCA1 (ATP binding cassette subfamily A member 1; minus strand). Cytogenetic location: 9q31.1.
Variant type: single nucleotide variant.
Coding change: c.412T>C on transcript NM_005502.4 (MANE Select); coding-DNA position 412, T replaced by C.
Protein change: p.Ser138Pro; replaces serine 138 with proline.
Molecular consequence: missense variant.
Genome position (GRCh38, 1-based): chr9:104,883,048, A>G on the plus strand (T>C on the coding strand, the complement: ABCA1 is on the minus strand). VCF-style: chr9-104883048-A-G. GRCh37 (hg19) VCF-style: chr9-107645329-A-G.
Other names: short protein forms S138P.
Identifiers: ClinVar variation 1738078 (VCV001738078.3), dbSNP rs1416907998, ClinGen allele CA374315894.